The following is an entry in ClinVar:

NM_001128228.3(TPRN):c.496_516dup (p.Ala172_Ala173insProProArgProProProAla)

Gene: TPRN (taperin; minus strand). Cytogenetic location: 9q34.3.
Variant type: Duplication.
Coding change: c.496_516dup on transcript NM_001128228.3 (MANE Select); coding-DNA positions 496 to 516, 21 bases duplicated (CCGCCCCGGCCCCCGCCCGCG).
Protein change: p.Ala172_Ala173insProProArgProProProAla.
Molecular consequence: inframe insertion.
Genome position (GRCh38, 1-based): chr9:137,200,196-137,200,216, CGCGGGCGGGGGCCGGGGCGG duplicated on the plus strand (CCGCCCCGGCCCCCGCCCGCG on the coding strand, the reverse complement: TPRN is on the minus strand); duplicating any 21 consecutive bases within chr9:137,200,196-137,200,225 gives the same sequence; the c. name uses the placement nearest the transcript's 3' end. VCF-style (leftmost placement, unchanged base first): chr9-137200195-C-CCGCGGGCGGGGGCCGGGGCGG. GRCh37 (hg19) VCF-style: chr9-140094647-C-CCGCGGGCGGGGGCCGGGGCGG.
Identifiers: ClinVar variation 4976229 (VCV004976229.1).
Genomic context (GRCh38, chr9:137,200,195, plus strand): 5'-GCCGGGCCCCGGGGCTCGCCCCGCCACCGCGGGGCCCGGGCGCGGCGGGCGGGCTGGGGG[C>CCGCGGGCGGGGGCCGGGGCGG]CGCGGGCGGGGGCCGGGGCGGCGCGGGCGGCGGCGGCGGCGGCGGGGGGCGGGCGCGCTC-3'

ClinVar aggregate classification (germline): Uncertain significance (1 of 4 stars; one submission).

Submission:

GeneDx
Classification: Uncertain significance. Last evaluated: 2026-02-17. Review status: criteria provided, single submitter. Criteria: GeneDx Variant Classification Process June 2021. Collection method: clinical testing. Allele origin: germline.
Comment: Not observed at significant frequency in large population cohorts (gnomAD); In-frame duplication of 7 amino acids in a non-repeat region; Has not been previously published as pathogenic or benign to our knowledge